The following is an entry in ClinVar:

NM_000188.3(HK1):c.688A>G (p.Ile230Val)

Gene: HK1 (hexokinase 1; plus strand). Cytogenetic location: 10q22.1.
Variant type: single nucleotide variant.
Coding change: c.688A>G on transcript NM_000188.3 (MANE Select); coding-DNA position 688, A replaced by G.
Protein change: p.Ile230Val; replaces isoleucine 230 with valine.
Molecular consequence: missense variant. On other transcripts: 5 prime UTR variant (2), non-coding transcript variant (2).
Genome position (GRCh38, 1-based): chr10:69,369,333, A>G. VCF-style: chr10-69369333-A-G. GRCh37 (hg19) VCF-style: chr10-71129089-A-G.
Other names: c.700A>G, p.Ile234Val (NM_001322364.2, NM_001358263.1, NM_033497.3 and 1 more transcripts); c.793A>G, p.Ile265Val (NM_001322365.2); c.604A>G, p.Ile202Val (NM_001322366.1, NM_001441143.1); c.592A>G, p.Ile198Val (NM_001322367.1); c.688A>G, p.Ile230Val (NM_001441139.1, NM_001441141.1, NM_001441145.1 and 3 more transcripts); c.679A>G, p.Ile227Val (NM_001441140.1); c.646A>G, p.Ile216Val (NM_001441142.1); c.568A>G, p.Ile190Val (NM_001441144.1); and 7 more; short protein forms I108V, I218V, I265V, I190V, I229V, I227V, I230V, I234V.
Identifiers: ClinVar variation 4773421 (VCV004773421.1).

ClinVar aggregate classification (germline): Uncertain significance (1 of 4 stars; one submission).

gnomAD v4.1: 2 of 1,613,952 alleles (0.00012%); highest among the groups gnomAD compares: African/African-American, 0.0027%; no homozygotes.

Submission:

Labcorp Genetics (formerly Invitae), Labcorp
Classification: Uncertain significance. Last evaluated: 2025-12-07. Review status: criteria provided, single submitter. Criteria: Invitae Variant Classification Sherloc (09022015). Collection method: clinical testing. Allele origin: germline.
Comment: This sequence change replaces isoleucine, which is neutral and non-polar, with valine, which is neutral and non-polar, at codon 230 of the HK1 protein (p.Ile230Val). This variant is present in population databases (rs375278763, gnomAD 0.007%). This variant has not been reported in the literature in individuals affected with HK1-related conditions. Invitae Evidence Modeling of protein sequence and biophysical properties (such as structural, functional, and spatial information, amino acid conservation, physicochemical variation, residue mobility, and thermodynamic stability) indicates that this missense variant is not expected to disrupt HK1 protein function with a negative predictive value of 80%. In summary, the available evidence is currently insufficient to determine the role of this variant in disease. Therefore, it has been classified as a Variant of Uncertain Significance.